The following is an entry in ClinVar:

NM_001429.4(EP300):c.6680T>C (p.Met2227Thr)

Gene: EP300 (EP300 lysine acetyltransferase; plus strand). Cytogenetic location: 22q13.2.
Variant type: single nucleotide variant.
Coding change: c.6680T>C on transcript NM_001429.4 (MANE Select); coding-DNA position 6680, T replaced by C.
Protein change: p.Met2227Thr; replaces methionine 2227 with threonine.
Molecular consequence: missense variant.
Genome position (GRCh38, 1-based): chr22:41,178,391, T>C. VCF-style: chr22-41178391-T-C. GRCh37 (hg19) VCF-style: chr22-41574395-T-C.
Other names: c.6680T>C (NM_001429.3); c.6602T>C, p.Met2201Thr (NM_001362843.2); short protein forms M2201T, M2227T.
Identifiers: ClinVar variation 2740807 (VCV002740807.5), dbSNP rs374135370, ClinGen allele CA10253922.

ClinVar aggregate classification (germline): Uncertain significance. Review status: criteria provided, multiple submitters, no conflicts (2 of 4 stars). 3 submissions from 3 submitters: Uncertain significance (2). 1 of the submissions does not count toward it. Last evaluated 2024-09-06.

Conditions:
Rubinstein-Taybi syndrome due to EP300 haploinsufficiency. Also called: EP300-Related Rubinstein-Taybi Syndrome; RUBINSTEIN-TAYBI SYNDROME 2. Identifiers: Orphanet 353284, Orphanet 783, MedGen C3150941, MONDO:0013364, OMIM 613684.
EP300-related disorder. Also called: EP300-related disorders; EP300-related condition.

Allele frequency attached by ClinVar (database versions not stated): gnomAD exomes below 0.00001; ExAC 0.00001; TOPMed 0.00003; gnomAD 0.00005; ESP Exome Variant Server 0.00008.
gnomAD v4.1: 11 of 1,614,006 alleles (0.00068%); highest among the groups gnomAD compares: African/African-American, 0.0013%; no homozygotes.

Submissions (3):

GeneDx
Classification: Uncertain significance. Last evaluated: 2024-09-06. Review status: criteria provided, single submitter. Criteria: GeneDx Variant Classification Process June 2021. Collection method: clinical testing. Allele origin: germline. Affected: yes.
Comment: In silico analysis supports that this missense variant has a deleterious effect on protein structure/function; Has not been previously published as pathogenic or benign to our knowledge

Labcorp Genetics (formerly Invitae), Labcorp
Classification: Uncertain significance for Rubinstein-Taybi syndrome due to EP300 haploinsufficiency. Last evaluated: 2023-05-15. Review status: criteria provided, single submitter. Criteria: Invitae Variant Classification Sherloc (09022015). Collection method: clinical testing. Allele origin: germline.
Comment: In summary, the available evidence is currently insufficient to determine the role of this variant in disease. Therefore, it has been classified as a Variant of Uncertain Significance. Advanced modeling of protein sequence and biophysical properties (such as structural, functional, and spatial information, amino acid conservation, physicochemical variation, residue mobility, and thermodynamic stability) performed at Invitae indicates that this missense variant is not expected to disrupt EP300 protein function. This variant has not been reported in the literature in individuals affected with EP300-related conditions. This variant is present in population databases (rs374135370, gnomAD 0.002%). This sequence change replaces methionine, which is neutral and non-polar, with threonine, which is neutral and polar, at codon 2227 of the EP300 protein (p.Met2227Thr).

PreventionGenetics, part of Exact Sciences
Classification: Uncertain significance for EP300-related condition. Last evaluated: 2024-05-15. Review status: no assertion criteria provided. Collection method: clinical testing. Allele origin: germline. Not counted in ClinVar's aggregate classification.
Comment: The EP300 c.6680T>C variant is predicted to result in the amino acid substitution p.Met2227Thr. To our knowledge, this variant has not been reported in the literature. This variant is reported in 0.0016% of alleles in individuals of European (Non-Finnish) descent in gnomAD. At this time, the clinical significance of this variant is uncertain due to the absence of conclusive functional and genetic evidence.